The following is an entry in ClinVar:

NM_006767.4(LZTR1):c.1673A>T (p.Gln558Leu)

Gene: LZTR1 (leucine zipper like post translational regulator 1; plus strand). Cytogenetic location: 22q11.21.
Variant type: single nucleotide variant.
Coding change: c.1673A>T on transcript NM_006767.4 (MANE Select); coding-DNA position 1673, A replaced by T.
Protein change: p.Gln558Leu; replaces glutamine 558 with leucine.
Molecular consequence: missense variant.
Genome position (GRCh38, 1-based): chr22:20,994,615, A>T. VCF-style: chr22-20994615-A-T. GRCh37 (hg19) VCF-style: chr22-21348904-A-T.
Other names: short protein forms Q558L.
Identifiers: ClinVar variation 1463188 (VCV001463188.8), dbSNP rs2147967915, ClinGen allele CA410776763.

ClinVar aggregate classification (germline): Uncertain significance (1 of 4 stars; one submission).

Submission:

Labcorp Genetics (formerly Invitae), Labcorp
Classification: Uncertain significance. Last evaluated: 2021-02-23. Review status: criteria provided, single submitter. Criteria: Invitae Variant Classification Sherloc (09022015). Collection method: clinical testing. Allele origin: germline.
Comment: This variant has not been reported in the literature in individuals with LZTR1-related conditions. This sequence change replaces glutamine with leucine at codon 558 of the LZTR1 protein (p.Gln558Leu). The glutamine residue is moderately conserved and there is a moderate physicochemical difference between glutamine and leucine. This variant is not present in population databases (ExAC no frequency). Algorithms developed to predict the effect of missense changes on protein structure and function (SIFT, PolyPhen-2, Align-GVGD) all suggest that this variant is likely to be tolerated, but these predictions have not been confirmed by published functional studies and their clinical significance is uncertain. In summary, the available evidence is currently insufficient to determine the role of this variant in disease. Therefore, it has been classified as a Variant of Uncertain Significance.